The following is an entry in ClinVar:

NC_000011.9:g.(?_819719)_(822626_?)dup

Gene: PNPLA2 (patatin like domain 2, triacylglycerol lipase; plus strand). Cytogenetic location: 11p15.5.
Variant type: Duplication.
Identifiers: ClinVar variation 1422980 (VCV001422980.4).

ClinVar aggregate classification (germline): Uncertain significance (1 of 4 stars; one submission).

Conditions:
Neutral lipid storage myopathy (NLSDM). Also called: NEUTRAL LIPID STORAGE DISEASE WITHOUT ICHTHYOSIS. Identifiers: Orphanet 98908, MedGen C1853136, MONDO:0012545, OMIM 610717.

Submission:

Labcorp Genetics (formerly Invitae), Labcorp
Classification: Uncertain significance for Neutral lipid storage myopathy. Last evaluated: 2022-08-09. Review status: criteria provided, single submitter. Criteria: Invitae Variant Classification Sherloc (09022015). Collection method: clinical testing. Allele origin: germline.
Comment: This variant results in a copy number gain of the genomic region encompassing exon(s) 2-5 of the PNPLA2 gene. This region includes the initiator codon of the gene. This copy number gain extends beyond the assayed region for this gene and therefore may encompass additional genes. As the precise location of this event is unknown, it may be in tandem or it may be located elsewhere in the genome. This variant has not been reported in the literature in individuals affected with PNPLA2-related conditions. In summary, the available evidence is currently insufficient to determine the role of this variant in disease. Therefore, it has been classified as a Variant of Uncertain Significance.